The following is an entry in ClinVar:

NM_001365999.1(SZT2):c.7325G>T (p.Arg2442Leu)

Gene: SZT2 (SZT2 subunit of KICSTOR complex; plus strand). Cytogenetic location: 1p34.2.
Variant type: single nucleotide variant.
Coding change: c.7325G>T on transcript NM_001365999.1 (MANE Select); coding-DNA position 7325, G replaced by T.
Protein change: p.Arg2442Leu; replaces arginine 2442 with leucine.
Molecular consequence: missense variant.
Genome position (GRCh38, 1-based): chr1:43,440,567, G>T. VCF-style: chr1-43440567-G-T. GRCh37 (hg19) VCF-style: chr1-43906238-G-T.
Other names: c.7154G>T, p.Arg2385Leu (NM_015284.4); short protein forms R2385L, R2442L.
Identifiers: ClinVar variation 1413594 (VCV001413594.6), dbSNP rs146294336, ClinGen allele CA810192.

ClinVar aggregate classification (germline): Uncertain significance (1 of 4 stars; one submission).

Allele frequency attached by ClinVar (database versions not stated): gnomAD exomes 0.00001; ESP Exome Variant Server 0.00008.
gnomAD v4.1: 29 of 1,602,168 alleles (0.0018%); highest among the groups gnomAD compares: Non-Finnish European, 0.0024%; no homozygotes.

Submission:

Labcorp Genetics (formerly Invitae), Labcorp
Classification: Uncertain significance. Last evaluated: 2024-02-17. Review status: criteria provided, single submitter. Criteria: Invitae Variant Classification Sherloc (09022015). Collection method: clinical testing. Allele origin: germline.
Comment: This sequence change replaces arginine, which is basic and polar, with leucine, which is neutral and non-polar, at codon 2385 of the SZT2 protein (p.Arg2385Leu). This variant is present in population databases (rs146294336, gnomAD 0.002%). This variant has not been reported in the literature in individuals affected with SZT2-related conditions. ClinVar contains an entry for this variant (Variation ID: 1413594). Advanced modeling of protein sequence and biophysical properties (such as structural, functional, and spatial information, amino acid conservation, physicochemical variation, residue mobility, and thermodynamic stability) performed at Invitae indicates that this missense variant is expected to disrupt SZT2 protein function with a positive predictive value of 80%. In summary, the available evidence is currently insufficient to determine the role of this variant in disease. Therefore, it has been classified as a Variant of Uncertain Significance.